The following is an entry in ClinVar:

ClinVar aggregate classification (germline): Uncertain significance. Review status: criteria provided, multiple submitters, no conflicts (2 of 4 stars). 2 submissions from 2 submitters: Uncertain significance (2). Last evaluated 2025-05-14.

Conditions:
Dyskeratosis congenita, autosomal recessive 6 (DKCB6). Identifiers: MedGen C4225356, MONDO:0014600, OMIM 616353.
Pulmonary fibrosis and/or bone marrow failure, Telomere-related, 4. Also called: PULMONARY FIBROSIS AND/OR BONE MARROW FAILURE SYNDROME, TELOMERE-RELATED, 4. Identifiers: Orphanet 2032, MedGen C4225347, MONDO:0014612, OMIM 616371.
Inborn genetic diseases. Identifiers: MedGen C0950123, MeSH D030342.

gnomAD v4.1: 7 of 1,613,224 alleles (0.00043%); highest among the groups gnomAD compares: Non-Finnish European, 0.00051%; no homozygotes.

Submissions (2):

Labcorp Genetics (formerly Invitae), Labcorp
Classification: Uncertain significance for Dyskeratosis congenita, autosomal recessive 6; Pulmonary fibrosis and/or bone marrow failure, Telomere-related, 4. Last evaluated: 2025-05-14. Review status: criteria provided, single submitter. Criteria: Invitae Variant Classification Sherloc (09022015). Collection method: clinical testing. Allele origin: germline.
Comment: This sequence change replaces lysine, which is basic and polar, with glutamic acid, which is acidic and polar, at codon 14 of the PARN protein (p.Lys14Glu). This variant is present in population databases (rs753010781, gnomAD 0.002%). This variant has not been reported in the literature in individuals affected with PARN-related conditions. ClinVar contains an entry for this variant (Variation ID: 3414177). Invitae Evidence Modeling of protein sequence and biophysical properties (such as structural, functional, and spatial information, amino acid conservation, physicochemical variation, residue mobility, and thermodynamic stability) indicates that this missense variant is not expected to disrupt PARN protein function with a negative predictive value of 80%. In summary, the available evidence is currently insufficient to determine the role of this variant in disease. Therefore, it has been classified as a Variant of Uncertain Significance.

Ambry Genetics
Classification: Uncertain significance for Inborn genetic diseases. Last evaluated: 2024-09-01. Review status: criteria provided, single submitter. Criteria: Ambry Variant Classification Scheme 2023. Collection method: clinical testing. Allele origin: germline.

NM_002582.4(PARN):c.40A>G (p.Lys14Glu)

Gene: PARN (poly(A)-specific ribonuclease; minus strand). Cytogenetic location: 16p13.12.
Variant type: single nucleotide variant.
Coding change: c.40A>G on transcript NM_002582.4 (MANE Select); coding-DNA position 40, A replaced by G.
Protein change: p.Lys14Glu; replaces lysine 14 with glutamic acid.
Molecular consequence: missense variant. On other transcripts: 5 prime UTR variant (1).
Genome position (GRCh38, 1-based): chr16:14,629,654, T>C on the plus strand (A>G on the coding strand, the complement: PARN is on the minus strand). VCF-style: chr16-14629654-T-C. GRCh37 (hg19) VCF-style: chr16-14723511-T-C.
Other names: c.-144A>G (NM_001134477.3); c.40A>G, p.Lys14Glu (NM_001242992.2); short protein forms K14E.
Identifiers: ClinVar variation 3414177 (VCV003414177.2).